The following is an entry in ClinVar:

NM_001379291.1(BRD4):c.886A>C (p.Thr296Pro)

Gene: BRD4 (bromodomain containing 4; minus strand). Cytogenetic location: 19p13.12.
Variant type: single nucleotide variant.
Coding change: c.886A>C on transcript NM_001379291.1 (MANE Select); coding-DNA position 886, A replaced by C.
Protein change: p.Thr296Pro; replaces threonine 296 with proline.
Molecular consequence: missense variant.
Genome position (GRCh38, 1-based): chr19:15,264,730, T>G on the plus strand (A>C on the coding strand, the complement: BRD4 is on the minus strand). VCF-style: chr19-15264730-T-G. GRCh37 (hg19) VCF-style: chr19-15375541-T-G.
Other names: c.886A>C, p.Thr296Pro (NM_001330384.2, NM_001379292.1, NM_014299.3 and 1 more transcripts); short protein forms T296P.
Identifiers: ClinVar variation 4994349 (VCV004994349.1).

ClinVar aggregate classification (germline): Uncertain significance (1 of 4 stars; one submission).

Conditions:
BRD4-related disorder. Also called: BRD4-related condition.

Submission:

PreventionGenetics, part of Exact Sciences
Classification: Uncertain significance for BRD4-related condition. Last evaluated: 2026-07-27. Review status: criteria provided, single submitter. Criteria: ACMG Guidelines, 2015. Collection method: clinical testing. Allele origin: germline.
Comment: The BRD4 c.886A>C variant is predicted to result in the amino acid substitution p.Thr296Pro. To our knowledge, this variant has not been reported in the literature or in a large population database (gnomAD), indicating this variant is rare. At this time, the clinical significance of this variant is uncertain due to the absence of conclusive functional and genetic evidence.